The following is an entry in ClinVar:

ClinVar aggregate classification (germline): Uncertain significance (1 of 4 stars; one submission).

Allele frequency attached by ClinVar (database versions not stated): gnomAD exomes below 0.00001.
gnomAD v4.1: 1 of 1,561,846 alleles (0.000064%); highest among the groups gnomAD compares: Non-Finnish European, 0.000086%; no homozygotes.

Submission:

GeneDx
Classification: Uncertain significance. Last evaluated: 2025-12-20. Review status: criteria provided, single submitter. Criteria: GeneDx Variant Classification Process June 2021. Collection method: clinical testing. Allele origin: germline. Affected: yes.
Comment: Not observed at significant frequency in large population cohorts (gnomAD); In silico analysis supports that this missense variant has a deleterious effect on protein structure/function; Has not been previously published as pathogenic or benign to our knowledge

NM_002430.3(MN1):c.1921G>T (p.Asp641Tyr)

Gene: MN1 (MN1 proto-oncogene, transcriptional regulator; minus strand). Cytogenetic location: 22q12.1.
Variant type: single nucleotide variant.
Coding change: c.1921G>T on transcript NM_002430.3 (MANE Select); coding-DNA position 1921, G replaced by T.
Protein change: p.Asp641Tyr; replaces aspartic acid 641 with tyrosine.
Molecular consequence: missense variant.
Genome position (GRCh38, 1-based): chr22:27,798,623, C>A on the plus strand (G>T on the coding strand, the complement: MN1 is on the minus strand). VCF-style: chr22-27798623-C-A. GRCh37 (hg19) VCF-style: chr22-28194611-C-A.
Other names: short protein forms D641Y.
Identifiers: ClinVar variation 1708754 (VCV001708754.4), dbSNP rs2517771970, ClinGen allele CA411046733.